The following is an entry in ClinVar:

ClinVar aggregate classification (germline): Uncertain significance (1 of 4 stars; one submission).

Conditions:
Cardiovascular phenotype. Identifiers: MedGen CN230736.

gnomAD v4.1: 1 of 1,613,988 alleles (0.000062%); highest among the groups gnomAD compares: African/African-American, 0.0013%; no homozygotes.

Submission:

Ambry Genetics
Classification: Uncertain significance for Cardiovascular phenotype. Last evaluated: 2022-12-09. Review status: criteria provided, single submitter. Criteria: Ambry Variant Classification Scheme 2023. Collection method: clinical testing. Allele origin: germline.
Comment: The p.A261G variant (also known as c.782C>G), located in coding exon 7 of the DSP gene, results from a C to G substitution at nucleotide position 782. The alanine at codon 261 is replaced by glycine, an amino acid with similar properties. This amino acid position is conserved. In addition, the in silico prediction for this alteration is inconclusive. Since supporting evidence is limited at this time, the clinical significance of this alteration remains unclear.

NM_004415.4(DSP):c.782C>G (p.Ala261Gly)

Gene: DSP (desmoplakin; plus strand). Cytogenetic location: 6p24.3.
Variant type: single nucleotide variant.
Coding change: c.782C>G on transcript NM_004415.4 (MANE Select); coding-DNA position 782, C replaced by G.
Protein change: p.Ala261Gly; replaces alanine 261 with glycine.
Molecular consequence: missense variant.
Genome position (GRCh38, 1-based): chr6:7,565,363, C>G. VCF-style: chr6-7565363-C-G. GRCh37 (hg19) VCF-style: chr6-7565596-C-G.
Other names: c.782C>G, p.Ala261Gly (NM_001008844.3, NM_001319034.2, NM_001406591.1); short protein forms A261G.
Identifiers: ClinVar variation 2453243 (VCV002453243.2), dbSNP rs139509870, ClinGen allele CA362673911.